The following is an entry in ClinVar:

NM_007294.4(BRCA1):c.4922C>A (p.Ala1641Asp)

Gene: BRCA1 (BRCA1 DNA repair associated; minus strand). Cytogenetic location: 17q21.31.
Variant type: single nucleotide variant.
Coding change: c.4922C>A on transcript NM_007294.4 (MANE Select); coding-DNA position 4922, C replaced by A.
Protein change: p.Ala1641Asp; replaces alanine 1641 with aspartic acid.
Molecular consequence: missense variant. On other transcripts: non-coding transcript variant (1).
Genome position (GRCh38, 1-based): chr17:43,070,992, G>T on the plus strand (C>A on the coding strand, the complement: BRCA1 is on the minus strand). VCF-style: chr17-43070992-G-T. GRCh37 (hg19) VCF-style: chr17-41223009-G-T.
Other names: c.4709C>A, p.Ala1570Asp (NM_001407571.1, NM_001407894.1, NM_001407895.1 and 12 more transcripts); c.4988C>A, p.Ala1663Asp (NM_001407581.1, NM_001407582.1); c.4985C>A, p.Ala1662Asp (NM_001407583.1, NM_001407585.1, NM_001407587.1 and 1 more transcripts); c.4982C>A, p.Ala1661Asp (NM_001407590.1, NM_001407591.1); c.4922C>A, p.Ala1641Asp (NM_001407593.1, NM_001407594.1, NM_001407596.1 and 8 more transcripts); c.4919C>A, p.Ala1640Asp (NM_001407617.1, NM_001407618.1, NM_001407619.1 and 17 more transcripts); c.4916C>A, p.Ala1639Asp (NM_001407636.1, NM_001407637.1, NM_001407638.1 and 14 more transcripts); c.4913C>A, p.Ala1638Asp (NM_001407644.1, NM_001407645.1); and 70 more; short protein forms A1594D, A1641D, A1662D, A537D, A1529D, A1530D, A1551D, A1570D.
Identifiers: ClinVar variation 868410 (VCV000868410.5), dbSNP rs1597830578, ClinGen allele CA10591678.

ClinVar aggregate classification (germline): Uncertain significance (1 of 4 stars; one submission).

Conditions:
Hereditary cancer-predisposing syndrome. Also called: Neoplastic Syndromes, Hereditary; Tumor predisposition; Hereditary Cancer Syndrome; Hereditary neoplastic syndrome. Identifiers: Orphanet 140162, MedGen C0027672, MeSH D009386, MONDO:0015356.

Submissions (2):

Color Diagnostics, LLC DBA Color Health
Classification: Uncertain significance for Hereditary cancer-predisposing syndrome. Last evaluated: 2023-01-23. Review status: criteria provided, single submitter. Criteria: ACMG Guidelines, 2015. Collection method: clinical testing. Allele origin: germline.
Comment: This missense variant replaces alanine with aspartic acid at codon 1641 of the BRCA1 protein. Computational prediction is inconclusive regarding the impact of this variant on protein structure and function (internally defined REVEL score threshold 0.5 < inconclusive < 0.7, PMID: 27666373). A functional study has reported that this variant does not impact BRCA1 function in a haploid cell proliferation assay (PMID: 30209399). This variant has not been reported in individuals affected with BRCA1-related disorders in the literature. This variant has not been identified in the general population by the Genome Aggregation Database (gnomAD). The available evidence is insufficient to determine the role of this variant in disease conclusively. Therefore, this variant is classified as a Variant of Uncertain Significance.

Brotman Baty Institute, University of Washington
No classification provided (evidence only). Condition: Breast-ovarian cancer, familial 1. Review status: no classification provided. Collection method: in vitro. Allele origin: not applicable. Functional consequence: functionally_normal. Not counted in ClinVar's aggregate classification.
ClinVar note: "not provided" was previously submitted as the classification for the variant. However, the classification appeared to be based only on an observation of functional data so it was converted to no classification on 2025-07-30.

Literature cited by the submitters: PubMed 30209399 (cited by Color Diagnostics, LLC DBA Color Health).